The following is an entry in ClinVar:

ClinVar aggregate classification (germline): Uncertain significance. Review status: criteria provided, multiple submitters, no conflicts (2 of 4 stars). 2 submissions from 2 submitters: Uncertain significance (2). Last evaluated 2025-08-30.

Allele frequency attached by ClinVar (database versions not stated): gnomAD exomes 0.00001 and below 0.00001; gnomAD 0.00001; TOPMed 0.00001.
gnomAD v4.1: 22 of 1,614,014 alleles (0.0014%); highest among the groups gnomAD compares: Admixed American, 0.0033%; no homozygotes.

Submissions (2):

Mayo Clinic Laboratories, Mayo Clinic
Classification: Uncertain significance. Last evaluated: 2025-08-30. Review status: criteria provided, single submitter. Criteria: ACMG Guidelines, 2015. Collection method: clinical testing. Allele origin: germline. Observed: 1 variant allele.
Comment: BP4, PM2_supporting

Eurofins Ntd Llc (ga)
Classification: Uncertain significance. Last evaluated: 2017-03-28. Review status: criteria provided, single submitter. Criteria: EGL Classification Definitions 2015. Collection method: clinical testing. Allele origin: germline. Observed: 1 variant allele, 1 heterozygote.

NM_001267550.2(TTN):c.2258C>T (p.Pro753Leu)

Gene: TTN (titin; minus strand). Cytogenetic location: 2q31.2.
Variant type: single nucleotide variant.
Coding change: c.2258C>T on transcript NM_001267550.2 (MANE Select); coding-DNA position 2258, C replaced by T.
Protein change: p.Pro753Leu; replaces proline 753 with leucine.
Molecular consequence: missense variant.
Genome position (GRCh38, 1-based): chr2:178,785,960, G>A on the plus strand (C>T on the coding strand, the complement: TTN is on the minus strand). VCF-style: chr2-178785960-G-A. GRCh37 (hg19) VCF-style: chr2-179650687-G-A.
Other names: p.Pro753Leu; c.2258C>T, p.Pro753Leu (NM_001256850.1, NM_133378.4, NM_133379.5); c.2120C>T, p.Pro707Leu (NM_003319.4, NM_133432.3, NM_133437.4); short protein forms P753L, P707L.
Identifiers: ClinVar variation 501045 (VCV000501045.6), dbSNP rs1397976217, ClinGen allele CA349500538.
Genomic context (GRCh38, chr2:178,785,960, plus strand): 5'-GAAGGAGCCTGGATTACTCTAGGCTTGACTGCTTTAGGGACAACGTGGGGTTCTGAGGCT[G>A]GACGTTGGGGAGGCTCAGCTACCTTTGCGGCGGAAATGCGTTCCTTATATCCGTACTCCA-3'
Protein context (NP_001254479.2, residues 743-763): AAKVAEPPQR[Pro753Leu]ASEPHVVPKA